The following is an entry in ClinVar:

ClinVar aggregate classification (germline): Uncertain significance (1 of 4 stars; one submission).

Submission:

GeneDx
Classification: Uncertain significance. Last evaluated: 2019-10-22. Review status: criteria provided, single submitter. Criteria: GeneDx Variant Classification Process June 2021. Collection method: clinical testing. Allele origin: germline. Affected: yes.
Comment: Not observed in large population cohorts (Lek et al., 2016); In silico analysis, which includes protein predictors and evolutionary conservation, supports a deleterious effect; Has not been previously published as pathogenic or benign to our knowledge

NM_006364.4(SEC23A):c.2051T>G (p.Leu684Arg)

Gene: SEC23A (SEC23 homolog A, COPII coat complex component; minus strand). Cytogenetic location: 14q21.1.
Variant type: single nucleotide variant.
Coding change: c.2051T>G on transcript NM_006364.4 (MANE Select); coding-DNA position 2051, T replaced by G.
Protein change: p.Leu684Arg; replaces leucine 684 with arginine.
Molecular consequence: missense variant.
Genome position (GRCh38, 1-based): chr14:39,040,823, A>C on the plus strand (T>G on the coding strand, the complement: SEC23A is on the minus strand). VCF-style: chr14-39040823-A-C. GRCh37 (hg19) VCF-style: chr14-39510027-A-C.
Other names: short protein forms L684R.
Identifiers: ClinVar variation 1309243 (VCV001309243.2), dbSNP rs2139185455, ClinGen allele CA389529056.